The following is an entry in ClinVar:

NM_001267550.2(TTN):c.70000del (p.Glu23334fs)

Genes: TTN (titin; minus strand), TTN-AS1 (TTN antisense RNA 1; plus strand), LOC126806422 (BRD4-independent group 4 enhancer GRCh37_chr2:179440205-179441404; plus strand). Cytogenetic location: 2q31.2.
Variant type: Deletion.
Coding change: c.70000del on transcript NM_001267550.2 (MANE Select); coding-DNA position 70000, one base deleted (G; older notation c.70000delG).
Protein change: p.Glu23334fs; shifts the reading frame from glutamic acid 23334.
Molecular consequence: frameshift variant.
Genome position (GRCh38, 1-based): chr2:178,576,132, C deleted on the plus strand (G on the coding strand, the reverse complement: TTN is on the minus strand). VCF-style (leftmost placement, unchanged base first): chr2-178576131-TC-T. GRCh37 (hg19) VCF-style: chr2-179440858-TC-T.
Other names: c.65077delG (NM_001256850.1); c.65077del, p.Glu21693fs (NM_001256850.1); c.42805del, p.Glu14269fs (NM_003319.4); c.62296del, p.Glu20766fs (NM_133378.4); c.43180del, p.Glu14394fs (NM_133432.3); c.43381del, p.Glu14461fs (NM_133437.4); c.42805delG (NM_003319.4); short protein forms E14461fs, E21693fs, E14269fs, E14394fs, E23334fs, E20766fs.
Identifiers: ClinVar variation 430169 (VCV000430169.5), dbSNP rs1131691811, ClinGen allele CA645369274.

ClinVar aggregate classification (germline): Pathogenic/Likely pathogenic. Review status: criteria provided, multiple submitters, no conflicts (2 of 4 stars). 2 submissions from 2 submitters: Pathogenic (1); Likely pathogenic (1). Last evaluated 2021-05-19.

Conditions:
Cardiovascular phenotype. Identifiers: MedGen CN230736.

Submissions (2):

GeneDx
Classification: Pathogenic. Last evaluated: 2021-05-19. Review status: criteria provided, single submitter. Criteria: GeneDx Variant Classification Process June 2021. Collection method: clinical testing. Allele origin: germline. Affected: yes.
Comment: Frameshift variant predicted to result in protein truncation or nonsense mediated decay in a gene for which loss-of-function is a known mechanism of disease; Not observed in large population cohorts (Lek et al., 2016); Has not been previously published as pathogenic or benign to our knowledge

Ambry Genetics
Classification: Likely pathogenic for Cardiovascular phenotype. Last evaluated: 2020-11-03. Review status: criteria provided, single submitter. Criteria: Ambry Variant Classification Scheme 2023. Collection method: clinical testing. Allele origin: germline.
Comment: The c.42805delG variant, located in coding exon 153 of the TTN gene, results from a deletion of one nucleotide at nucleotide position 42805, causing a translational frameshift with a predicted alternate stop codon (p.E14269Kfs*3). This exon is located in the A-band region of the N2-B isoform of the titin protein and is constitutively expressed in TTN transcripts (percent spliced in or PSI 100%). This variant was not reported in population-based cohorts in the Genome Aggregation Database (gnomAD). In addition, this alteration is expected to result in loss of function by premature protein truncation or nonsense-mediated mRNA decay. While truncating variants in TTN are present in 1-3% of the general population, truncating variants in the A-band are the most common cause of dilated cardiomyopathy (DCM) (Herman DS et al. N. Engl. J. Med., 2012 Feb;366:619-28; Roberts AM et al. Sci Transl Med, 2015 Jan;7:270ra6). TTN truncating variants encoded in constitutive exons (PSI >90%) have been found to be significantly associated with DCM regardless of their position in titin (Schafer S et al. Nat. Genet., 2017 01;49:46-53). As such, this alteration is classified as likely pathogenic.